The following is an entry in ClinVar:

ClinVar aggregate classification (germline): Uncertain significance (1 of 4 stars; one submission).

Submission:

Labcorp Genetics (formerly Invitae), Labcorp
Classification: Uncertain significance. Last evaluated: 2025-01-27. Review status: criteria provided, single submitter. Criteria: Invitae Variant Classification Sherloc (09022015). Collection method: clinical testing. Allele origin: germline.
Comment: This sequence change replaces leucine, which is neutral and non-polar, with phenylalanine, which is neutral and non-polar, at codon 97 of the OPA1 protein (p.Leu97Phe). This variant is not present in population databases (gnomAD no frequency). This variant has not been reported in the literature in individuals affected with OPA1-related conditions. ClinVar contains an entry for this variant (Variation ID: 2106754). Invitae Evidence Modeling of protein sequence and biophysical properties (such as structural, functional, and spatial information, amino acid conservation, physicochemical variation, residue mobility, and thermodynamic stability) indicates that this missense variant is not expected to disrupt OPA1 protein function with a negative predictive value of 80%. In summary, the available evidence is currently insufficient to determine the role of this variant in disease. Therefore, it has been classified as a Variant of Uncertain Significance.

NM_130837.3(OPA1):c.289C>T (p.Leu97Phe)

Gene: OPA1 (OPA1 mitochondrial dynamin like GTPase; plus strand). Cytogenetic location: 3q29.
Variant type: single nucleotide variant.
Coding change: c.289C>T on transcript NM_130837.3 (MANE Select); coding-DNA position 289, C replaced by T.
Protein change: p.Leu97Phe; replaces leucine 97 with phenylalanine.
Molecular consequence: missense variant. On other transcripts: 5 prime UTR variant (2).
Genome position (GRCh38, 1-based): chr3:193,614,979, C>T. VCF-style: chr3-193614979-C-T. GRCh37 (hg19) VCF-style: chr3-193332768-C-T.
Other names: c.-84C>T (NM_001354663.2, NM_001354664.2); c.289C>T, p.Leu97Phe (NM_015560.3, NM_130831.3, NM_130832.3 and 4 more transcripts); short protein forms L97F.
Identifiers: ClinVar variation 2106754 (VCV002106754.4), dbSNP rs369233231, ClinGen allele CA355786895.